The following is an entry in ClinVar:

ClinVar aggregate classification (germline): Uncertain significance (1 of 4 stars; one submission).

Conditions:
Landau-Kleffner syndrome (FESD). Also called: EPILEPSY, FOCAL, WITH SPEECH DISORDER AND WITH OR WITHOUT MENTAL RETARDATION; APHASIA, ACQUIRED, WITH EPILEPSY. Identifiers: Orphanet 1945, Orphanet 725, Orphanet 98818, MedGen C0282512, MONDO:0009509, OMIM 245570.

Allele frequency attached by ClinVar (database versions not stated): gnomAD exomes below 0.00001.
gnomAD v4.1: 3 of 1,613,976 alleles (0.00019%); highest among the groups gnomAD compares: Non-Finnish European, 0.00025%; no homozygotes.

Submission:

Labcorp Genetics (formerly Invitae), Labcorp
Classification: Uncertain significance for Landau-Kleffner syndrome. Last evaluated: 2018-05-13. Review status: criteria provided, single submitter. Criteria: Invitae Variant Classification Sherloc (09022015). Collection method: clinical testing. Allele origin: germline.
Comment: In summary, the available evidence is currently insufficient to determine the role of this variant in disease. Therefore, it has been classified as a Variant of Uncertain Significance. Algorithms developed to predict the effect of missense changes on protein structure and function do not agree on the potential impact of this missense change (SIFT: "Tolerated"; PolyPhen-2: "Probably Damaging"; Align-GVGD: "Class C0"). This variant has not been reported in the literature in individuals with GRIN2A-related disease. This variant is not present in population databases (ExAC no frequency). This sequence change replaces aspartic acid with asparagine at codon 212 of the GRIN2A protein (p.Asp212Asn). The aspartic acid residue is moderately conserved and there is a small physicochemical difference between aspartic acid and asparagine.

NM_001134407.3(GRIN2A):c.634G>A (p.Asp212Asn)

Gene: GRIN2A (glutamate ionotropic receptor NMDA type subunit 2A; minus strand). Cytogenetic location: 16p13.2.
Variant type: single nucleotide variant.
Coding change: c.634G>A on transcript NM_001134407.3 (MANE Select); coding-DNA position 634, G replaced by A.
Protein change: p.Asp212Asn; replaces aspartic acid 212 with asparagine.
Molecular consequence: missense variant.
Genome position (GRCh38, 1-based): chr16:9,938,332, C>T on the plus strand (G>A on the coding strand, the complement: GRIN2A is on the minus strand). VCF-style: chr16-9938332-C-T. GRCh37 (hg19) VCF-style: chr16-10032189-C-T.
Other names: c.634G>A, p.Asp212Asn (NM_000833.5, NM_001134408.2); short protein forms D212N.
Identifiers: ClinVar variation 573071 (VCV000573071.9), dbSNP rs1396813794, ClinGen allele CA394798839.
Genomic context (GRCh38, chr16:9,938,332, plus strand): 5'-AACAGTAGAGCAAGATGACAGAAGAGTGGATCTTCTTCAGCTGGACTTGTGTCTTTGCAT[C>T]CTCAAAGGAAGTGTCCAGTGTGATCACATTCTGCATGTCCCAGCCCACAAAGCTGTTGTC-3'
Protein context (NP_001127879.1, residues 202-222): NVITLDTSFE[Asp212Asn]AKTQVQLKKI